The following is an entry in ClinVar:

NM_198506.5(LRIT3):c.636G>T (p.Met212Ile)

Gene: LRIT3 (leucine rich repeat, Ig-like and transmembrane domains 3; plus strand). Cytogenetic location: 4q25.
Variant type: single nucleotide variant.
Coding change: c.636G>T on transcript NM_198506.5 (MANE Select); coding-DNA position 636, G replaced by T.
Protein change: p.Met212Ile; replaces methionine 212 with isoleucine.
Molecular consequence: missense variant.
Genome position (GRCh38, 1-based): chr4:109,867,687, G>T. VCF-style: chr4-109867687-G-T. GRCh37 (hg19) VCF-style: chr4-110788843-G-T.
Other names: short protein forms M212I.
Identifiers: ClinVar variation 1008597 (VCV001008597.5), dbSNP rs1159748933, ClinGen allele CA357866430.

ClinVar aggregate classification (germline): Uncertain significance (1 of 4 stars; one submission).

Allele frequency attached by ClinVar (database versions not stated): TOPMed 0.00001.

Submission:

Labcorp Genetics (formerly Invitae), Labcorp
Classification: Uncertain significance. Last evaluated: 2024-05-06. Review status: criteria provided, single submitter. Criteria: Invitae Variant Classification Sherloc (09022015). Collection method: clinical testing. Allele origin: germline.
Comment: This sequence change replaces methionine, which is neutral and non-polar, with isoleucine, which is neutral and non-polar, at codon 212 of the LRIT3 protein (p.Met212Ile). This variant is not present in population databases (gnomAD no frequency). This variant has not been reported in the literature in individuals affected with LRIT3-related conditions. ClinVar contains an entry for this variant (Variation ID: 1008597). Algorithms developed to predict the effect of missense changes on protein structure and function output the following: SIFT: "Not Available"; PolyPhen-2: "Benign"; Align-GVGD: "Not Available". The isoleucine amino acid residue is found in multiple mammalian species, which suggests that this missense change does not adversely affect protein function. In summary, the available evidence is currently insufficient to determine the role of this variant in disease. Therefore, it has been classified as a Variant of Uncertain Significance.